The following is an entry in ClinVar:

ClinVar aggregate classification (germline): Uncertain significance (1 of 4 stars; one submission).

Conditions:
Familial hypocalciuric hypercalcemia (FHH). Also called: Familial benign hypercalcemia. Identifiers: Orphanet 405, MedGen C1809471, MONDO:0018458.
Autosomal dominant hypocalcemia 1 (HYPOC1). Also called: HYPOCALCEMIA, FAMILIAL. Identifiers: MedGen C3715128, MONDO:0011013, OMIM 601198.

Submission:

Labcorp Genetics (formerly Invitae), Labcorp
Classification: Uncertain significance for Familial hypocalciuric hypercalcemia; Autosomal dominant hypocalcemia 1. Last evaluated: 2019-11-08. Review status: criteria provided, single submitter. Criteria: Invitae Variant Classification Sherloc (09022015). Collection method: clinical testing. Allele origin: germline.
Comment: This sequence change replaces arginine with proline at codon 286 of the CASR protein (p.Arg286Pro). The arginine residue is highly conserved and there is a moderate physicochemical difference between arginine and proline. This variant is not present in population databases (ExAC no frequency). This variant has not been reported in the literature in individuals with CASR-related conditions. Algorithms developed to predict the effect of missense changes on protein structure and function (SIFT, PolyPhen-2, Align-GVGD) all suggest that this variant is likely to be disruptive, but these predictions have not been confirmed by published functional studies and their clinical significance is uncertain. In summary, the available evidence is currently insufficient to determine the role of this variant in disease. Therefore, it has been classified as a Variant of Uncertain Significance.

NM_000388.4(CASR):c.857G>C (p.Arg286Pro)

Gene: CASR (calcium sensing receptor; plus strand). Cytogenetic location: 3q21.1.
Variant type: single nucleotide variant.
Coding change: c.857G>C on transcript NM_000388.4 (MANE Select); coding-DNA position 857, G replaced by C.
Protein change: p.Arg286Pro; replaces arginine 286 with proline.
Molecular consequence: missense variant.
Genome position (GRCh38, 1-based): chr3:122,261,892, G>C. VCF-style: chr3-122261892-G-C. GRCh37 (hg19) VCF-style: chr3-121980739-G-C.
Other names: c.857G>C, p.Arg286Pro (NM_001178065.2); short protein forms R286P.
Identifiers: ClinVar variation 863737 (VCV000863737.10), dbSNP rs922511747, ClinGen allele CA354151500.
Genomic context (GRCh38, chr3:122,261,892, plus strand): 5'-TCATCGTGGTTTTCTCCAGTGGCCCAGATCTTGAGCCCCTCATCAAGGAGATTGTCCGGC[G>C]CAATATCACGGGCAAGATCTGGCTGGCCAGCGAGGCCTGGGCCAGCTCCTCCCTGATCGC-3'
Protein context (NP_000379.3, residues 276-296): LEPLIKEIVR[Arg286Pro]NITGKIWLAS